The following is an entry in ClinVar:

ClinVar aggregate classification (germline): Uncertain significance. Review status: criteria provided, multiple submitters, no conflicts (2 of 4 stars). 2 submissions from 2 submitters: Uncertain significance (2). Last evaluated 2024-10-01.

Conditions:
Hereditary cancer-predisposing syndrome. Also called: Hereditary Cancer Syndrome; Neoplastic Syndromes, Hereditary; Tumor predisposition; Hereditary neoplastic syndrome. Identifiers: Orphanet 140162, MedGen C0027672, MeSH D009386, MONDO:0015356.

Submissions (2):

Ambry Genetics
Classification: Uncertain significance for Hereditary cancer-predisposing syndrome. Last evaluated: 2024-10-01. Review status: criteria provided, single submitter. Criteria: Ambry Variant Classification Scheme 2023. Collection method: clinical testing. Allele origin: germline.

Labcorp Genetics (formerly Invitae), Labcorp
Classification: Uncertain significance. Last evaluated: 2023-07-31. Review status: criteria provided, single submitter. Criteria: Invitae Variant Classification Sherloc (09022015). Collection method: clinical testing. Allele origin: germline.
Comment: In summary, the available evidence is currently insufficient to determine the role of this variant in disease. Therefore, it has been classified as a Variant of Uncertain Significance. Advanced modeling of protein sequence and biophysical properties (such as structural, functional, and spatial information, amino acid conservation, physicochemical variation, residue mobility, and thermodynamic stability) performed at Invitae indicates that this missense variant is not expected to disrupt POLE protein function. This variant has not been reported in the literature in individuals affected with POLE-related conditions. This variant is not present in population databases (gnomAD no frequency). This sequence change replaces threonine, which is neutral and polar, with arginine, which is basic and polar, at codon 1313 of the POLE protein (p.Thr1313Arg).

NM_006231.4(POLE):c.3938C>G (p.Thr1313Arg)

Gene: POLE (DNA polymerase epsilon, catalytic subunit; minus strand). Cytogenetic location: 12q24.33.
Variant type: single nucleotide variant.
Coding change: c.3938C>G on transcript NM_006231.4 (MANE Select); coding-DNA position 3938, C replaced by G.
Protein change: p.Thr1313Arg; replaces threonine 1313 with arginine.
Molecular consequence: missense variant.
Genome position (GRCh38, 1-based): chr12:132,649,373, G>C on the plus strand (C>G on the coding strand, the complement: POLE is on the minus strand). VCF-style: chr12-132649373-G-C. GRCh37 (hg19) VCF-style: chr12-133225959-G-C.
Other names: c.3938C>G (NM_006231.2); short protein forms T1313R.
Identifiers: ClinVar variation 2748793 (VCV002748793.4), dbSNP rs949243552, ClinGen allele CA387385014.